The following is an entry in ClinVar:

ClinVar aggregate classification (germline): Likely pathogenic (1 of 4 stars; one submission).

Conditions:
Nemaline myopathy. Also called: Myopathies, Nemaline. Identifiers: Orphanet 607, MedGen C0206157, MONDO:0018958.

Submission:

Women's Health and Genetics/Laboratory Corporation of America, LabCorp
Classification: Likely pathogenic for Nemaline myopathy. Last evaluated: 2019-05-08. Review status: criteria provided, single submitter. Criteria: LabCorp Variant Classification Summary - May 2015. Collection method: clinical testing. Allele origin: germline.
Comment: Variant summary: NEB c.21141delT (p.Ile7047MetfsX55) results in a premature termination codon, predicted to cause a truncation of the encoded protein or absence of the protein due to nonsense mediated decay, which are commonly known mechanisms for disease. Truncations downstream of this position have been classified as pathogenic by our laboratory (e.g. c.24407_24410dupTGTT (p.Leu8137fsX18), c.24632_24633delCT (p.Pro8211fsX4)). The variant was absent in 248372 control chromosomes (gnomAD). To our knowledge, no occurrence of c.21141delT in individuals affected with Nemaline Myopathy 2 and no experimental evidence demonstrating its impact on protein function have been reported. No clinical diagnostic laboratories have submitted clinical-significance assessments for this variant to ClinVar after 2014. Based on the evidence outlined above, the variant was classified as likely pathogenic.

NM_001164508.2(NEB):c.21141del (p.Ile7047fs)

Gene: NEB (nebulin; minus strand). Cytogenetic location: 2q23.3.
Variant type: Deletion.
Coding change: c.21141del on transcript NM_001164508.2 (MANE Select); coding-DNA position 21141, one base deleted (T; older notation c.21141delT).
Protein change: p.Ile7047fs; shifts the reading frame from isoleucine 7047.
Molecular consequence: frameshift variant.
Genome position (GRCh38, 1-based): chr2:151,537,198, A deleted on the plus strand (T on the coding strand, the reverse complement: NEB is on the minus strand); the first of 2 consecutive A bases (chr2:151,537,198-151,537,199); deleting either gives the same sequence. VCF-style (leftmost placement, unchanged base first): chr2-151537197-CA-C. GRCh37 (hg19) VCF-style: chr2-152393711-CA-C.
Other names: c.21141del, p.Ile7047fs (NM_001164507.2, NM_001271208.2); c.16038del, p.Ile5346fs (NM_004543.5); short protein forms I5346fs, I7047fs.
Identifiers: ClinVar variation 929152 (VCV000929152.1), dbSNP rs2093339890, ClinGen allele CA1139657229.